The following is an entry in ClinVar:

ClinVar aggregate classification (germline): Uncertain significance (1 of 4 stars; one submission).

Conditions:
Glycogen storage disease type III (GSD3). Also called: FORBES DISEASE; Cori disease. Identifiers: Orphanet 366, MedGen C0017922, MONDO:0009291, OMIM 232400.

Allele frequency attached by ClinVar (database versions not stated): gnomAD exomes 0.00001.
gnomAD v4.1: 8 of 1,613,734 alleles (0.0005%); highest among the groups gnomAD compares: Non-Finnish European, 0.00068%; no homozygotes.

Submission:

Labcorp Genetics (formerly Invitae), Labcorp
Classification: Uncertain significance for Glycogen storage disease type III. Last evaluated: 2023-07-17. Review status: criteria provided, single submitter. Criteria: Invitae Variant Classification Sherloc (09022015). Collection method: clinical testing. Allele origin: germline.
Comment: In summary, the available evidence is currently insufficient to determine the role of this variant in disease. Therefore, it has been classified as a Variant of Uncertain Significance. Advanced modeling of protein sequence and biophysical properties (such as structural, functional, and spatial information, amino acid conservation, physicochemical variation, residue mobility, and thermodynamic stability) has been performed at Invitae for this missense variant, however the output from this modeling did not meet the statistical confidence thresholds required to predict the impact of this variant on AGL protein function. ClinVar contains an entry for this variant (Variation ID: 1051025). This variant has not been reported in the literature in individuals affected with AGL-related conditions. This variant is not present in population databases (gnomAD no frequency). This sequence change replaces asparagine, which is neutral and polar, with aspartic acid, which is acidic and polar, at codon 565 of the AGL protein (p.Asn565Asp).

NM_000642.3(AGL):c.1693A>G (p.Asn565Asp)

Gene: AGL (amylo-alpha-1,6-glucosidase and 4-alpha-glucanotransferase; plus strand). Cytogenetic location: 1p21.2.
Variant type: single nucleotide variant.
Coding change: c.1693A>G on transcript NM_000642.3 (MANE Select); coding-DNA position 1693, A replaced by G.
Protein change: p.Asn565Asp; replaces asparagine 565 with aspartic acid.
Molecular consequence: missense variant.
Genome position (GRCh38, 1-based): chr1:99,880,004, A>G. VCF-style: chr1-99880004-A-G. GRCh37 (hg19) VCF-style: chr1-100345560-A-G.
Other names: c.1489A>G, p.Asn497Asp (NM_001425329.1, NM_001425328.1); c.1315A>G, p.Asn439Asp (NM_001425332.1); c.1693A>G, p.Asn565Asp (NM_000028.3, NM_000643.3, NM_001425325.1 and 2 more transcripts); c.1492A>G, p.Asn498Asp (NM_001425327.1); c.1645A>G, p.Asn549Asp (NM_000646.3); short protein forms N549D, N565D, N439D, N497D, N498D.
Identifiers: ClinVar variation 1051025 (VCV001051025.9), dbSNP rs2101145600, ClinGen allele CA341315739.
Genomic context (GRCh38, chr1:99,880,004, plus strand): 5'-AATTTGCAACCCAATTTATATGTAGTAGCTGAACTGTTCACAGGAAGTGAAGATCTGGAC[A>G]ATGTCTTTGTTACTAGACTGGGCATTAGTTCCTTAATAAGAGGTAGGCTTGTTGGAGTGT-3'
Protein context (NP_000633.2, residues 555-575): ELFTGSEDLD[Asn565Asp]VFVTRLGISS